The following is an entry in ClinVar:

ClinVar aggregate classification (germline): Uncertain significance. Review status: criteria provided, multiple submitters, no conflicts (2 of 4 stars). 2 submissions from 2 submitters: Uncertain significance (2). Last evaluated 2025-01-01.

Allele frequency attached by ClinVar (database versions not stated): gnomAD 0.00001; gnomAD exomes 0.00002; TOPMed 0.00002.
gnomAD v4.1: 27 of 1,614,104 alleles (0.0017%); highest among the groups gnomAD compares: Non-Finnish European, 0.0022%; no homozygotes.

Submissions (2):

CeGaT Center for Human Genetics Tuebingen
Classification: Uncertain significance. Last evaluated: 2025-01-01. Review status: criteria provided, single submitter. Criteria: CeGaT Center For Human Genetics Tuebingen Variant Classification Criteria Version 2. Collection method: clinical testing. Allele origin: germline. Affected: yes. Observed: 1 variant allele.
Comment: TET2: PM2, BP4

Labcorp Genetics (formerly Invitae), Labcorp
Classification: Uncertain significance. Last evaluated: 2024-01-29. Review status: criteria provided, single submitter. Criteria: Invitae Variant Classification Sherloc (09022015). Collection method: clinical testing. Allele origin: germline.
Comment: This sequence change replaces threonine, which is neutral and polar, with serine, which is neutral and polar, at codon 497 of the TET2 protein (p.Thr497Ser). This variant is present in population databases (no rsID available, gnomAD 0.0009%). This variant has not been reported in the literature in individuals affected with TET2-related conditions. An algorithm developed to predict the effect of missense changes on protein structure and function (PolyPhen-2) suggests that this variant¬†is likely to be tolerated. In summary, the available evidence is currently insufficient to determine the role of this variant in disease. Therefore, it has been classified as a Variant of Uncertain Significance.

NM_001127208.3(TET2):c.1489A>T (p.Thr497Ser)

Genes: TET2 (tet methylcytosine dioxygenase 2; plus strand), TET2-AS1 (TET2 antisense RNA 1; minus strand). Cytogenetic location: 4q24.
Variant type: single nucleotide variant.
Coding change: c.1489A>T on transcript NM_001127208.3 (MANE Select); coding-DNA position 1489, A replaced by T.
Protein change: p.Thr497Ser; replaces threonine 497 with serine.
Molecular consequence: missense variant.
Genome position (GRCh38, 1-based): chr4:105,235,431, A>T. VCF-style: chr4-105235431-A-T. GRCh37 (hg19) VCF-style: chr4-106156588-A-T.
Other names: c.1489A>T, p.Thr497Ser (NM_017628.4); short protein forms T497S.
Identifiers: ClinVar variation 2900855 (VCV002900855.14), dbSNP rs972594430, ClinGen allele CA102751260.